The following is an entry in ClinVar:

NM_005422.4(TECTA):c.3104A>G (p.Glu1035Gly)

Genes: TBCEL-TECTA (TBCEL-TECTA readthrough; plus strand), TECTA (tectorin alpha; plus strand). Cytogenetic location: 11q23.3.
Variant type: single nucleotide variant.
Coding change: c.3104A>G on transcript NM_005422.4 (MANE Select); coding-DNA position 3104, A replaced by G.
Protein change: p.Glu1035Gly; replaces glutamic acid 1035 with glycine.
Molecular consequence: missense variant.
Genome position (GRCh38, 1-based): chr11:121,137,583, A>G. VCF-style: chr11-121137583-A-G. GRCh37 (hg19) VCF-style: chr11-121008292-A-G.
Other names: c.4061A>G, p.Glu1354Gly (NM_001378761.1); short protein forms E1035G, E1354G.
Identifiers: ClinVar variation 2393716 (VCV002393716.3), dbSNP rs1414420156, ClinGen allele CA383018935.

ClinVar aggregate classification (germline): Uncertain significance. Review status: criteria provided, multiple submitters, no conflicts (2 of 4 stars). 2 submissions from 2 submitters: Uncertain significance (2). Last evaluated 2023-11-21.

Conditions:
Inborn genetic diseases. Identifiers: MedGen C0950123, MeSH D030342.

Allele frequency attached by ClinVar (database versions not stated): gnomAD 0.00001; gnomAD exomes 0.00001; TOPMed 0.00001.
gnomAD v4.1: 15 of 1,613,794 alleles (0.00093%); highest among the groups gnomAD compares: Middle Eastern, 0.016%; no homozygotes.

Submissions (2):

Women's Health and Genetics/Laboratory Corporation of America, LabCorp
Classification: Uncertain significance. Last evaluated: 2023-11-21. Review status: criteria provided, single submitter. Criteria: LabCorp Variant Classification Summary - May 2015. Collection method: clinical testing. Allele origin: germline.
Comment: Variant summary: TECTA c.3104A>G (p.Glu1035Gly) results in a non-conservative amino acid change located in the trypsin inhibitor-like, cysteine rich domain (IPR002919) of the encoded protein sequence. Five of five in-silico tools predict a damaging effect of the variant on protein function. The variant was absent in 251336 control chromosomes (gnomAD). The available data on variant occurrences in the general population are insufficient to allow any conclusion about variant significance. To our knowledge, no occurrence of c.3104A>G in individuals affected with Deafness and no experimental evidence demonstrating its impact on protein function have been reported. One submitter has cited a clinical-significance assessment for this variant to ClinVar after 2014 and has classified the variant as uncertain significance. Based on the evidence outlined above, the variant was classified as uncertain significance.

Ambry Genetics
Classification: Uncertain significance for Inborn genetic diseases. Last evaluated: 2022-07-26. Review status: criteria provided, single submitter. Criteria: Ambry Variant Classification Scheme 2023. Collection method: clinical testing. Allele origin: germline.